The following is an entry in ClinVar:

ClinVar aggregate classification (germline): Uncertain significance. Review status: criteria provided, multiple submitters, no conflicts (2 of 4 stars). 2 submissions from 2 submitters: Uncertain significance (2). Last evaluated 2024-12-31.

Allele frequency attached by ClinVar (database versions not stated): TOPMed 0.00001.

Submissions (2):

Labcorp Genetics (formerly Invitae), Labcorp
Classification: Uncertain significance. Last evaluated: 2024-12-31. Review status: criteria provided, single submitter. Criteria: Invitae Variant Classification Sherloc (09022015). Collection method: clinical testing. Allele origin: germline.
Comment: This sequence change replaces phenylalanine, which is neutral and non-polar, with valine, which is neutral and non-polar, at codon 236 of the ASRGL1 protein (p.Phe236Val). This variant is not present in population databases (gnomAD no frequency). This variant has not been reported in the literature in individuals affected with ASRGL1-related conditions. ClinVar contains an entry for this variant (Variation ID: 3130522). An algorithm developed to predict the effect of missense changes on protein structure and function (PolyPhen-2) suggests that this variant is likely to be disruptive. In summary, the available evidence is currently insufficient to determine the role of this variant in disease. Therefore, it has been classified as a Variant of Uncertain Significance.

Ambry Genetics
Classification: Uncertain significance. Last evaluated: 2023-12-15. Review status: criteria provided, single submitter. Criteria: Ambry Variant Classification Scheme 2023. Collection method: clinical testing. Allele origin: germline.

NM_001083926.2(ASRGL1):c.706T>G (p.Phe236Val)

Gene: ASRGL1 (asparaginase and isoaspartyl peptidase 1; plus strand). Cytogenetic location: 11q12.3.
Variant type: single nucleotide variant.
Coding change: c.706T>G on transcript NM_001083926.2 (MANE Select); coding-DNA position 706, T replaced by G.
Protein change: p.Phe236Val; replaces phenylalanine 236 with valine.
Molecular consequence: missense variant.
Genome position (GRCh38, 1-based): chr11:62,391,617, T>G. VCF-style: chr11-62391617-T-G. GRCh37 (hg19) VCF-style: chr11-62159089-T-G.
Other names: c.706T>G, p.Phe236Val (NM_025080.4); short protein forms F236V.
Identifiers: ClinVar variation 3130522 (VCV003130522.3), dbSNP rs1240528444, ClinGen allele CA380871424.
Genomic context (GRCh38, chr11:62,391,617, plus strand): 5'-GTCTCAACCACAGGGCATGGGGAAAGCATCCTGAAGGTGAACCTGGCTAGACTCACCCTG[T>G]TCCACATAGAACAAGGTACACAGACCACAGGACAAGTAAAATAATTTGTGAAGATAAGTG-3'
Protein context (NP_001077395.1, residues 226-246): LKVNLARLTL[Phe236Val]HIEQGKTVEE